The following is an entry in ClinVar:

NM_144993.1:c.658C>T

Gene: TET3 (tet methylcytosine dioxygenase 3; plus strand).
Variant type: single nucleotide variant.
Other names: c.658C>T (NM_144993.1).
Identifiers: ClinVar variation 4632995 (VCV004632995.1).

ClinVar aggregate classification (germline): Pathogenic (1 of 4 stars; one submission).

Conditions:
Inborn genetic diseases. Identifiers: MedGen C0950123, MeSH D030342.

Submission:

Ambry Genetics
Classification: Pathogenic for Inborn genetic diseases. Last evaluated: 2025-11-14. Review status: criteria provided, single submitter. Criteria: Ambry Variant Classification Scheme 2023. Collection method: clinical testing. Allele origin: germline.
Comment: The c.658C>T (p.Q220*) alteration, located in exon 1 (coding exon 1) of the TET3 gene, consists of a C to T substitution at nucleotide position 658. This changes the amino acid from a glutamine (Q) to a stop codon at amino acid position 220. This alteration is expected to result in loss of function by premature protein truncation or nonsense-mediated mRNA decay. This variant was not reported in population-based cohorts in the Genome Aggregation Database (gnomAD). Based on the available evidence, this alteration is classified as pathogenic.